The following is an entry in ClinVar:

NM_018429.3(BDP1):c.2307T>C (p.Pro769=)

Gene: BDP1 (BDP1 general transcription factor IIIB subunit; plus strand). Cytogenetic location: 5q13.2.
Variant type: single nucleotide variant.
Coding change: c.2307T>C on transcript NM_018429.3 (MANE Select); coding-DNA position 2307, T replaced by C.
Protein change: p.Pro769=; no amino-acid change (proline 769 retained).
Molecular consequence: synonymous variant.
Genome position (GRCh38, 1-based): chr5:71,504,686, T>C. VCF-style: chr5-71504686-T-C. GRCh37 (hg19) VCF-style: chr5-70800513-T-C.
Identifiers: ClinVar variation 3045179 (VCV003045179.2), dbSNP rs1764470414, ClinGen allele CA444797174.
Genomic context (GRCh38, chr5:71,504,686, plus strand): 5'-TCAACACATGGAAGATCAATCGCGTAAAGATTTTGAAGAGGAAGATGTCATATTACAGCC[T>C]GAGAAAAATGATTCTTTTCAAAATGTGCAGCCAGATGAGCCCAAGGTTCTTAATGAATGT-3'
Protein context (NP_060899.2, residues 759-779): DFEEEDVILQ[Pro769=]EKNDSFQNVQ

ClinVar aggregate classification (germline): Likely benign (0 of 4 stars; one submission).

Conditions:
BDP1-related disorder. Also called: BDP1-related condition.

Allele frequency attached by ClinVar (database versions not stated): gnomAD exomes 0.00001; TOPMed 0.00001.
gnomAD v4.1: 15 of 1,613,506 alleles (0.00093%); highest among the groups gnomAD compares: Non-Finnish European, 0.0013%; no homozygotes.

Submission:

PreventionGenetics, part of Exact Sciences
Classification: Likely benign for BDP1-related condition. Last evaluated: 2022-09-29. Review status: no assertion criteria provided. Collection method: clinical testing. Allele origin: germline.
Comment: This variant is classified as likely benign based on ACMG/AMP sequence variant interpretation guidelines (Richards et al. 2015 PMID: 25741868, with internal and published modifications).